The following is an entry in ClinVar:

ClinVar aggregate classification (germline): Uncertain significance (1 of 4 stars; one submission).

Conditions:
Cardiomyopathy (CMYO). Also called: Cardiomyopathies. Identifiers: Orphanet 167848, MedGen C0878544, MONDO:0004994, HP:0001638. Inheritance: Various modes of inheritance.

Submission:

Color Diagnostics, LLC DBA Color Health
Classification: Uncertain significance for Cardiomyopathy. Last evaluated: 2025-06-17. Review status: criteria provided, single submitter. Criteria: ACMG Guidelines, 2015. Collection method: clinical testing. Allele origin: germline.
Comment: This variant inserts 17 nucleotides in exon 5 of the TNNI3 gene, creating a frameshift and premature translation stop signal. This variant is expected to result in an absent or non-functional protein product. To our knowledge, this variant has not been reported in individuals affected with TNNI3-related disorders in the literature. This variant has not been identified in the general population by the Genome Aggregation Database (gnomAD). Clinical relevance of loss-of-function TNNI3 truncation variants in autosomal dominant cardiovascular disorders is not clearly established. The available evidence is insufficient to determine the role of this variant in disease conclusively. Therefore, this variant is classified as a Variant of Uncertain Significance.

NM_000363.5(TNNI3):c.218_234dup (p.Arg79delinsGlyAlaLeuTer)

Gene: TNNI3 (troponin I3, cardiac type; minus strand). Cytogenetic location: 19q13.42.
Variant type: Duplication.
Coding change: c.218_234dup on transcript NM_000363.5 (MANE Select); coding-DNA positions 218 to 234, 17 bases duplicated (GGCGCGCTCTGAGCACC).
Protein change: p.Arg79delinsGlyAlaLeuTer.
Molecular consequence: nonsense.
Genome position (GRCh38, 1-based): chr19:55,156,249-55,156,265, GGTGCTCAGAGCGCGCC duplicated on the plus strand (GGCGCGCTCTGAGCACC on the coding strand, the reverse complement: TNNI3 is on the minus strand). VCF-style (leftmost placement, unchanged base first): chr19-55156248-G-GGGTGCTCAGAGCGCGCC. GRCh37 (hg19) VCF-style: chr19-55667616-G-GGGTGCTCAGAGCGCGCC.
Identifiers: ClinVar variation 4756865 (VCV004756865.1).
Genomic context (GRCh38, chr19:55,156,248, plus strand): 5'-TGGGAGCCGGTACCTGCAGCTCCGCGAAGCCCAGCCCGGCCAACTCCAGCGGCTGGCAGC[G>GGGTGCTCAGAGCGCGCC]GGTGCTCAGAGCGCGCCCCTTCTCTCCGCGCCGCTCCTCCGCCTCTCGCTCCAGCTCTTG-3'